The following is an entry in ClinVar:

ClinVar aggregate classification (germline): Benign. Review status: criteria provided, multiple submitters, no conflicts (2 of 4 stars). 5 submissions from 3 submitters: Benign (5). Last evaluated 2024-01-24.

Conditions:
Immunodeficiency 73b with defective neutrophil chemotaxis and lymphopenia. Identifiers: MedGen C5436549, MONDO:0033554, OMIM 618986.
Immunodeficiency 73c with defective neutrophil chemotaxis and hypogammaglobulinemia. Identifiers: MedGen C5436550, MONDO:0033555, OMIM 618987.
Neutrophil immunodeficiency syndrome. Also called: Immunodeficiency 73A with defective neutrophil chemotaxis and leukocytosis. Identifiers: Orphanet 183707, MedGen C1842398, MONDO:0011988, OMIM 608203.

Allele frequency attached by ClinVar (database versions not stated): gnomAD exomes 0.36437; ExAC 0.36617; 1000 Genomes Project 0.38958; 1000 Genomes Project 30x 0.39054; gnomAD 0.41126 and 0.41562; TOPMed 0.41802; ESP Exome Variant Server 0.42542.
gnomAD v4.1: 614,033 of 1,608,100 alleles (38%); highest among the groups gnomAD compares: African/African-American, 52%; 119,166 homozygotes.

Submissions (5):

Unidad de Genómica Garrahan, Hospital de Pediatría Garrahan
Classification: Benign. Last evaluated: 2024-01-24. Review status: criteria provided, single submitter. Criteria: ACMG Guidelines, 2015. Collection method: clinical testing. Allele origin: germline. Affected: no. Observed: 49 variant alleles.
Comment: This variant is classified as Benign based on local population frequency. This variant was detected in 52% of patients studied by a panel of primary immunodeficiencies. Number of patients: 49. Only high quality variants are reported.

Genome-Nilou Lab
Classification: Benign for Immunodeficiency 73c with defective neutrophil chemotaxis and hypogammaglobulinemia. Last evaluated: 2021-11-07. Review status: criteria provided, single submitter. Criteria: ACMG Guidelines, 2015. Collection method: clinical testing. Allele origin: germline. Affected: no.

Genome-Nilou Lab
Classification: Benign for Neutrophil immunodeficiency syndrome. Last evaluated: 2021-11-07. Review status: criteria provided, single submitter. Criteria: ACMG Guidelines, 2015. Collection method: clinical testing. Allele origin: germline. Affected: no.

Genome-Nilou Lab
Classification: Benign for Immunodeficiency 73b with defective neutrophil chemotaxis and lymphopenia. Last evaluated: 2021-11-07. Review status: criteria provided, single submitter. Criteria: ACMG Guidelines, 2015. Collection method: clinical testing. Allele origin: germline. Affected: no.

Breakthrough Genomics
Classification: Benign. Review status: criteria provided, single submitter. Criteria: ACMG Guidelines, 2015. Collection method: not provided. Allele origin: germline. Inheritance: Autosomal recessive inheritance. Affected: yes.

NM_002872.5(RAC2):c.448+37A>G

Genes: RAC2 (Rac family small GTPase 2; minus strand), LOC130067355 (ATAC-STARR-seq lymphoblastoid active region 18954; plus strand). Cytogenetic location: 22q13.1.
Variant type: single nucleotide variant.
Coding change: c.448+37A>G on transcript NM_002872.5 (MANE Select); 37 bases into the intron after coding-DNA position 448, A replaced by G.
Molecular consequence: intron variant.
Genome position (GRCh38, 1-based): chr22:37,231,194, T>C on the plus strand (A>G on the coding strand, the complement: RAC2 is on the minus strand). VCF-style: chr22-37231194-T-C. GRCh37 (hg19) VCF-style: chr22-37627234-T-C.
Identifiers: ClinVar variation 1327931 (VCV001327931.5), dbSNP rs9610682, ClinGen allele CA10217517.
Genomic context (GRCh38, chr22:37,231,194, plus strand): 5'-CAGCCTGGCCCTGCAGCCCGTGTTTACAATCACACCACGAGGCCAAGTCAGGGCCTCCCC[T>C]GCAGCCAGATCGCCCCTCTGAGCCCGAGGCCCATACCAATCTCCTTGGCCAGTGCCAGGC-3'